The following is an entry in ClinVar:

ClinVar aggregate classification (germline): Uncertain significance (1 of 4 stars; one submission).

Submission:

Labcorp Genetics (formerly Invitae), Labcorp
Classification: Uncertain significance. Last evaluated: 2021-10-14. Review status: criteria provided, single submitter. Criteria: Invitae Variant Classification Sherloc (09022015). Collection method: clinical testing. Allele origin: germline.
Comment: In summary, the available evidence is currently insufficient to determine the role of this variant in disease. Therefore, it has been classified as a Variant of Uncertain Significance. Variants that disrupt the consensus splice site are a relatively common cause of aberrant splicing (PMID: 17576681, 9536098). Algorithms developed to predict the effect of sequence changes on RNA splicing suggest that this variant may disrupt the consensus splice site. This variant has not been reported in the literature in individuals affected with MAPKAPK3-related conditions. This variant is not present in population databases (ExAC no frequency). This sequence change falls in intron 9 of the MAPKAPK3 gene. It does not directly change the encoded amino acid sequence of the MAPKAPK3 protein. It affects a nucleotide within the consensus splice site.

Literature cited by the submitters: PubMed 17576681; PubMed 9536098.

NM_001243925.2(MAPKAPK3):c.705-3C>G

Gene: MAPKAPK3 (MAPK activated protein kinase 3; plus strand). Cytogenetic location: 3p21.2.
Variant type: single nucleotide variant.
Coding change: c.705-3C>G on transcript NM_001243925.2 (MANE Select); 3 bases into the intron before coding-DNA position 705, C replaced by G.
Molecular consequence: intron variant.
Genome position (GRCh38, 1-based): chr3:50,646,137, C>G. VCF-style: chr3-50646137-C-G. GRCh37 (hg19) VCF-style: chr3-50683568-C-G.
Other names: c.705-3C>G (NM_001243926.2, NM_004635.5).
Identifiers: ClinVar variation 1387046 (VCV001387046.6), dbSNP rs760757888, ClinGen allele CA2573137235.